The following is an entry in ClinVar:

ClinVar aggregate classification (germline): Uncertain significance (1 of 4 stars; one submission).

Conditions:
Charcot-Marie-Tooth disease type 2R. Also called: Charcot-Marie-Tooth disease, axonal, type 2R; CHARCOT-MARIE-TOOTH NEUROPATHY, TYPE 2R; CHARCOT-MARIE-TOOTH DISEASE, AXONAL, AUTOSOMAL RECESSIVE, TYPE 2R. Identifiers: Orphanet 397968, MedGen C3809655, MONDO:0014208, OMIM 615490.

Allele frequency attached by ClinVar (database versions not stated): gnomAD exomes below 0.00001.
gnomAD v4.1: 2 of 1,609,968 alleles (0.00012%); highest among the groups gnomAD compares: Non-Finnish European, 0.00017%; no homozygotes.

Submission:

Labcorp Genetics (formerly Invitae), Labcorp
Classification: Uncertain significance for Charcot-Marie-Tooth disease type 2R. Last evaluated: 2022-11-08. Review status: criteria provided, single submitter. Criteria: Invitae Variant Classification Sherloc (09022015). Collection method: clinical testing. Allele origin: germline.
Comment: Algorithms developed to predict the effect of sequence changes on RNA splicing suggest that this variant may create or strengthen a splice site. This variant has not been reported in the literature in individuals affected with TRIM2-related conditions. This variant is not present in population databases (gnomAD no frequency). This sequence change affects codon 167 of the TRIM2 mRNA. It is a 'silent' change, meaning that it does not change the encoded amino acid sequence of the TRIM2 protein. In summary, the available evidence is currently insufficient to determine the role of this variant in disease. Therefore, it has been classified as a Variant of Uncertain Significance.

NM_015271.5(TRIM2):c.582C>A (p.Val194=)

Gene: TRIM2 (tripartite motif containing 2; plus strand). Cytogenetic location: 4q31.3.
Variant type: single nucleotide variant.
Coding change: c.582C>A on transcript NM_015271.5 (MANE Select); coding-DNA position 582, C replaced by A.
Protein change: p.Val194=; no amino-acid change (valine 194 retained).
Molecular consequence: synonymous variant. On other transcripts: intron variant (2).
Genome position (GRCh38, 1-based): chr4:153,293,110, C>A. VCF-style: chr4-153293110-C-A. GRCh37 (hg19) VCF-style: chr4-154214262-C-A.
Other names: c.501C>A, p.Val167= (NM_001130067.2, NM_001351056.2, NM_001375512.1 and 5 more transcripts); c.555C>A, p.Val185= (NM_001351054.2); c.552C>A, p.Val184= (NM_001351055.2); c.126C>A, p.Val42= (NM_001351057.2); c.675C>A, p.Val225= (NM_001375488.1); c.672C>A, p.Val224= (NM_001375489.1); c.582C>A, p.Val194= (NM_001375490.1); c.579C>A, p.Val193= (NM_001375491.1); and 3 more.
Identifiers: ClinVar variation 2886338 (VCV002886338.3), dbSNP rs1266706328, ClinGen allele CA441781312.